The following is an entry in ClinVar:

ClinVar aggregate classification (germline): Uncertain significance (1 of 4 stars; one submission).

Conditions:
Ataxia-telangiectasia syndrome (AT). Also called: Ataxia-telangiectasia, complementation group D; AT, COMPLEMENTATION GROUP C; ATAXIA-TELANGIECTASIA, COMPLEMENTATION GROUP A; ATAXIA-TELANGIECTASIA, FRESNO VARIANT; Ataxia-telangiectasia; Ataxia-telangiectasia, complementation group E. Identifiers: Orphanet 100, MedGen C0004135, MONDO:0008840, OMIM 208900.

Submission:

Labcorp Genetics (formerly Invitae), Labcorp
Classification: Uncertain significance for Ataxia-telangiectasia syndrome. Last evaluated: 2024-06-28. Review status: criteria provided, single submitter. Criteria: Invitae Variant Classification Sherloc (09022015). Collection method: clinical testing. Allele origin: germline.
Comment: This sequence change replaces tyrosine, which is neutral and polar, with asparagine, which is neutral and polar, at codon 2521 of the ATM protein (p.Tyr2521Asn). This variant is not present in population databases (gnomAD no frequency). This variant has not been reported in the literature in individuals affected with ATM-related conditions. An algorithm developed to predict the effect of missense changes on protein structure and function (PolyPhen-2) suggests that this variant is likely to be disruptive. In summary, the available evidence is currently insufficient to determine the role of this variant in disease. Therefore, it has been classified as a Variant of Uncertain Significance.

NM_000051.4(ATM):c.7561T>A (p.Tyr2521Asn)

Genes: ATM (ATM serine/threonine kinase; plus strand), C11orf65 (chromosome 11 open reading frame 65; minus strand). Cytogenetic location: 11q22.3.
Variant type: single nucleotide variant.
Coding change: c.7561T>A on transcript NM_000051.4 (MANE Select); coding-DNA position 7561, T replaced by A.
Protein change: p.Tyr2521Asn; replaces tyrosine 2521 with asparagine.
Molecular consequence: missense variant. On other transcripts: non-coding transcript variant (1), intron variant (2).
Genome position (GRCh38, 1-based): chr11:108,331,489, T>A. VCF-style: chr11-108331489-T-A. GRCh37 (hg19) VCF-style: chr11-108202216-T-A.
Other names: c.7561T>A, p.Tyr2521Asn (NM_001351834.2); c.641-22418A>T (NM_001330368.2); c.*38+3731A>T (NM_001351110.2); short protein forms Y2521N.
Identifiers: ClinVar variation 3658066 (VCV003658066.2).